The following is an entry in ClinVar:

NM_001203.3(BMPR1B):c.1111C>T (p.Arg371Ter)

Gene: BMPR1B (bone morphogenetic protein receptor type 1B; plus strand). Cytogenetic location: 4q22.3.
Variant type: single nucleotide variant.
Coding change: c.1111C>T on transcript NM_001203.3 (MANE Select); coding-DNA position 1111, C replaced by T.
Protein change: p.Arg371Ter; replaces arginine 371 with a stop codon.
Molecular consequence: nonsense.
Genome position (GRCh38, 1-based): chr4:95,148,782, C>T. VCF-style: chr4-95148782-C-T. GRCh37 (hg19) VCF-style: chr4-96069933-C-T.
Other names: c.1111C>T, p.Arg371Ter (NM_001256792.2, NM_001256794.1); c.1201C>T, p.Arg401Ter (NM_001256793.2); short protein forms R371*, R401*.
Identifiers: ClinVar variation 3752436 (VCV003752436.2).
Genomic context (GRCh38, chr4:95,148,782, plus strand): 5'-AATGCTTTGCTTTACTTTTTCCTTAGTGATACAAATGAAGTTGACATACCACCTAACACT[C>T]GAGTTGGCACCAAACGCTATATGCCTCCAGAAGTGTTGGACGAGAGCTTGAACAGAAATC-3'

ClinVar aggregate classification (germline): Pathogenic (1 of 4 stars; one submission).

Conditions:
Acromesomelic dysplasia 3 (AMD3). Also called: CHONDRODYSPLASIA, ACROMESOMELIC, WITH OR WITHOUT GENITAL ANOMALIES; Acromesomelic dysplasia, Demirhan type. Identifiers: MedGen C4225404, MONDO:0012274, OMIM 609441.
Type A2 brachydactyly (BDA2). Also called: BRACHYMESOPHALANGY II; MOHR-WRIEDT TYPE BRACHYDACTYLY; Brachymesophalangy type 2. Identifiers: Orphanet 93396, MedGen C1832702, MONDO:0007216, OMIM 112600, HP:0009372.

Submission:

Labcorp Genetics (formerly Invitae), Labcorp
Classification: Pathogenic for Type A2 brachydactyly; Acromesomelic dysplasia 3. Last evaluated: 2024-05-31. Review status: criteria provided, single submitter. Criteria: Invitae Variant Classification Sherloc (09022015). Collection method: clinical testing. Allele origin: germline.
Comment: This sequence change creates a premature translational stop signal (p.Arg371*) in the BMPR1B gene. It is expected to result in an absent or disrupted protein product. Loss-of-function variants in BMPR1B are known to be pathogenic (PMID: 15805157, 24129431). This variant is not present in population databases (gnomAD no frequency). This variant has not been reported in the literature in individuals affected with BMPR1B-related conditions. For these reasons, this variant has been classified as Pathogenic.

Literature cited by the submitters: PubMed 15805157; PubMed 24129431.